The following is an entry in ClinVar:

NM_003737.4(DCHS1):c.6133C>T (p.Arg2045Cys)

Gene: DCHS1 (dachsous cadherin-related 1; minus strand). Cytogenetic location: 11p15.4.
Variant type: single nucleotide variant.
Coding change: c.6133C>T on transcript NM_003737.4 (MANE Select); coding-DNA position 6133, C replaced by T.
Protein change: p.Arg2045Cys; replaces arginine 2045 with cysteine.
Molecular consequence: missense variant.
Genome position (GRCh38, 1-based): chr11:6,626,906, G>A on the plus strand (C>T on the coding strand, the complement: DCHS1 is on the minus strand). VCF-style: chr11-6626906-G-A. GRCh37 (hg19) VCF-style: chr11-6648137-G-A.
Other names: c.6133C>T (NM_003737.3, NM_003737.2); short protein forms R2045C.
Identifiers: ClinVar variation 1174985 (VCV001174985.17), dbSNP rs147594191, ClinGen allele CA5859951.

ClinVar aggregate classification (germline): Conflicting classifications of pathogenicity. Review status: criteria provided, conflicting classifications (1 of 4 stars). 6 submissions from 6 submitters: Uncertain significance (2); Likely benign (2). 2 of the submissions do not count toward it. Last evaluated 2026-01-17.

Conditions:
Inborn genetic diseases. Identifiers: MedGen C0950123, MeSH D030342.

Allele frequency attached by ClinVar (database versions not stated): 1000 Genomes Project 0.00020; ExAC 0.00037; gnomAD 0.00037 and 0.00036; gnomAD exomes 0.00038 and 0.00039; TOPMed 0.00039; ESP Exome Variant Server 0.00069; 1000 Genomes Project 30x 0.00016.
gnomAD v4.1: 638 of 1,613,582 alleles (0.04%); highest among the groups gnomAD compares: Middle Eastern, 0.35%; no homozygotes.

Submissions (6):

Labcorp Genetics (formerly Invitae), Labcorp
Classification: Likely benign. Last evaluated: 2026-01-17. Review status: criteria provided, single submitter. Criteria: Invitae Variant Classification Sherloc (09022015). Collection method: clinical testing. Allele origin: germline.

Ambry Genetics
Classification: Uncertain significance for Inborn genetic diseases. Last evaluated: 2025-01-18. Review status: criteria provided, single submitter. Criteria: Ambry Variant Classification Scheme 2023. Collection method: clinical testing. Allele origin: germline.

GeneDx
Classification: Uncertain significance. Last evaluated: 2024-08-13. Review status: criteria provided, single submitter. Criteria: GeneDx Variant Classification Process June 2021. Collection method: clinical testing. Allele origin: germline.
Comment: In silico analysis supports that this missense variant has a deleterious effect on protein structure/function; Has not been previously published as pathogenic or benign to our knowledge

Breakthrough Genomics
Classification: Likely benign. Review status: criteria provided, single submitter. Criteria: ACMG Guidelines, 2015. Collection method: not provided. Allele origin: germline. Inheritance: Autosomal recessive inheritance. Affected: yes.

Clinical Genetics DNA and cytogenetics Diagnostics Lab, Erasmus MC, Erasmus Medical Center
Classification: Uncertain significance. Review status: no assertion criteria provided. Collection method: clinical testing. Allele origin: germline. Affected: yes. Study: VKGL Data-share Consensus. Not counted in ClinVar's aggregate classification.

Diagnostic Laboratory, Department of Genetics, University Medical Center Groningen
Classification: Uncertain significance. Review status: no assertion criteria provided. Collection method: clinical testing. Allele origin: germline. Affected: yes. Study: VKGL Data-share Consensus. Not counted in ClinVar's aggregate classification.